The following is an entry in ClinVar:

ClinVar aggregate classification (germline): Likely pathogenic (1 of 4 stars; one submission).

gnomAD v4.1: 1 of 1,614,124 alleles (0.000062%); highest among the groups gnomAD compares: Non-Finnish European, 0.000085%; no homozygotes.

Submission:

GeneDx
Classification: Likely pathogenic. Last evaluated: 2026-09-15. Review status: criteria provided, single submitter. Criteria: GeneDx Variant Classification Process June 2021. Collection method: clinical testing. Allele origin: germline.
Comment: Not observed at significant frequency in large population cohorts (gnomAD); In silico analysis supports that this missense variant has a deleterious effect on protein structure/function; Has not been previously published as pathogenic or benign to our knowledge; Also known as p.(M424T); This variant is associated with the following publications: (PMID: 19302049)

NM_001243133.2(NLRP3):c.1271T>C (p.Met424Thr)

Gene: NLRP3 (NLR family pyrin domain containing 3; plus strand). Cytogenetic location: 1q44.
Variant type: single nucleotide variant.
Coding change: c.1271T>C on transcript NM_001243133.2 (MANE Select); coding-DNA position 1271, T replaced by C.
Protein change: p.Met424Thr; replaces methionine 424 with threonine.
Molecular consequence: missense variant.
Genome position (GRCh38, 1-based): chr1:247,424,720, T>C. VCF-style: chr1-247424720-T-C. GRCh37 (hg19) VCF-style: chr1-247588022-T-C.
Other names: c.1271T>C, p.Met424Thr (NM_001079821.3, NM_001127461.3, NM_001127462.3 and 1 more transcripts); c.1277T>C, p.Met426Thr (NM_004895.5); short protein forms M424T, M426T.
Identifiers: ClinVar variation 4687087 (VCV004687087.2).
Genomic context (GRCh38, chr1:247,424,720, plus strand): 5'-TCACCATGTGCTTCATCCCCCTGGTCTGCTGGATCGTGTGCACTGGACTGAAACAGCAGA[T>C]GGAGAGTGGCAAGAGCCTTGCCCAGACATCCAAGACCACCACCGCGGTGTACGTCTTCTT-3'
Protein context (NP_001230062.1, residues 414-434): WIVCTGLKQQ[Met424Thr]ESGKSLAQTS